The following is an entry in ClinVar:

NM_001199138.2(NLRC4):c.97C>G (p.Leu33Val)

Gene: NLRC4 (NLR family CARD domain containing 4; minus strand). Cytogenetic location: 2p22.3.
Variant type: single nucleotide variant.
Coding change: c.97C>G on transcript NM_001199138.2 (MANE Select); coding-DNA position 97, C replaced by G.
Protein change: p.Leu33Val; replaces leucine 33 with valine.
Molecular consequence: missense variant.
Genome position (GRCh38, 1-based): chr2:32,252,584, G>C on the plus strand (C>G on the coding strand, the complement: NLRC4 is on the minus strand). VCF-style: chr2-32252584-G-C. GRCh37 (hg19) VCF-style: chr2-32477653-G-C.
Other names: c.97C>G, p.Leu33Val (NM_001199139.2, NM_001302504.2, NM_021209.5); short protein forms L33V.
Identifiers: ClinVar variation 1473895 (VCV001473895.8), dbSNP rs773645495, ClinGen allele CA44755358.

ClinVar aggregate classification (germline): Uncertain significance (1 of 4 stars; one submission).

Conditions:
Familial cold autoinflammatory syndrome 4 (FCAS4). Identifiers: Orphanet 47045, Orphanet 576349, MedGen C4015276, MONDO:0014498, OMIM 616115.
Periodic fever-infantile enterocolitis-autoinflammatory syndrome. Also called: Autoinflammation with infantile enterocolitis. Identifiers: Orphanet 436166, MedGen C4015067, MONDO:0014472, OMIM 616050.

Allele frequency attached by ClinVar (database versions not stated): TOPMed 0.00001.

Submission:

Labcorp Genetics (formerly Invitae), Labcorp
Classification: Uncertain significance for Periodic fever-infantile enterocolitis-autoinflammatory syndrome; Familial cold autoinflammatory syndrome 4. Last evaluated: 2025-10-22. Review status: criteria provided, single submitter. Criteria: Invitae Variant Classification Sherloc (09022015). Collection method: clinical testing. Allele origin: germline.
Comment: This sequence change replaces leucine, which is neutral and non-polar, with valine, which is neutral and non-polar, at codon 33 of the NLRC4 protein (p.Leu33Val). This variant is not present in population databases (gnomAD no frequency). This variant has not been reported in the literature in individuals affected with NLRC4-related conditions. ClinVar contains an entry for this variant (Variation ID: 1473895). An algorithm developed to predict the effect of missense changes on protein structure and function (PolyPhen-2) suggests that this variant is likely to be tolerated. In summary, the available evidence is currently insufficient to determine the role of this variant in disease. Therefore, it has been classified as a Variant of Uncertain Significance.